The following is an entry in ClinVar:

NM_000057.4(BLM):c.1965G>C (p.Met655Ile)

Gene: BLM (BLM RecQ like helicase; plus strand). Cytogenetic location: 15q26.1.
Variant type: single nucleotide variant.
Coding change: c.1965G>C on transcript NM_000057.4 (MANE Select); coding-DNA position 1965, G replaced by C.
Protein change: p.Met655Ile; replaces methionine 655 with isoleucine.
Molecular consequence: missense variant.
Genome position (GRCh38, 1-based): chr15:90,763,048, G>C. VCF-style: chr15-90763048-G-C. GRCh37 (hg19) VCF-style: chr15-91306278-G-C.
Other names: c.840G>C, p.Met280Ile (NM_001287248.2); c.1965G>C, p.Met655Ile (NM_001287246.2, NM_001287247.2); short protein forms M655I, M280I.
Identifiers: ClinVar variation 1439622 (VCV001439622.7), dbSNP rs369777747, ClinGen allele CA274739493.

ClinVar aggregate classification (germline): Uncertain significance. Review status: criteria provided, multiple submitters, no conflicts (2 of 4 stars). 2 submissions from 2 submitters: Uncertain significance (2). Last evaluated 2024-03-27.

Conditions:
Hereditary cancer-predisposing syndrome. Also called: Neoplastic Syndromes, Hereditary; Hereditary Cancer Syndrome; Hereditary neoplastic syndrome; Tumor predisposition. Identifiers: Orphanet 140162, MedGen C0027672, MeSH D009386, MONDO:0015356.
Bloom syndrome (BLM). Also called: Bloom-Torre-Machacek syndrome. Identifiers: Orphanet 125, MedGen C0005859, MONDO:0008876, OMIM 210900.

Allele frequency attached by ClinVar (database versions not stated): gnomAD exomes below 0.00001.
gnomAD v4.1: 2 of 1,614,036 alleles (0.00012%); highest among the groups gnomAD compares: African/African-American, 0.0027%; no homozygotes.

Submissions (2):

Ambry Genetics
Classification: Uncertain significance for Hereditary cancer-predisposing syndrome. Last evaluated: 2024-03-27. Review status: criteria provided, single submitter. Criteria: Ambry Variant Classification Scheme 2023. Collection method: clinical testing. Allele origin: germline.
Comment: The p.M655I variant (also known as c.1965G>C), located in coding exon 7 of the BLM gene, results from a G to C substitution at nucleotide position 1965. The methionine at codon 655 is replaced by isoleucine, an amino acid with highly similar properties. This amino acid position is conserved. In addition, the in silico prediction for this alteration is inconclusive. Since supporting evidence is limited at this time, the clinical significance of this alteration remains unclear.

Labcorp Genetics (formerly Invitae), Labcorp
Classification: Uncertain significance for Bloom syndrome. Last evaluated: 2021-08-28. Review status: criteria provided, single submitter. Criteria: Invitae Variant Classification Sherloc (09022015). Collection method: clinical testing. Allele origin: germline.
Comment: This sequence change replaces methionine with isoleucine at codon 655 of the BLM protein (p.Met655Ile). The methionine residue is moderately conserved and there is a small physicochemical difference between methionine and isoleucine. This variant is not present in population databases (ExAC no frequency). This variant has not been reported in the literature in individuals affected with BLM-related conditions. Algorithms developed to predict the effect of missense changes on protein structure and function are either unavailable or do not agree on the potential impact of this missense change (SIFT: "Tolerated"; PolyPhen-2: "Probably Damaging"; Align-GVGD: "Class C0"). In summary, the available evidence is currently insufficient to determine the role of this variant in disease. Therefore, it has been classified as a Variant of Uncertain Significance.